The following is an entry in ClinVar:

ClinVar aggregate classification (germline): Likely benign. Review status: criteria provided, multiple submitters, no conflicts (2 of 4 stars). 3 submissions from 3 submitters: Likely benign (3). Last evaluated 2026-01-19.

Allele frequency attached by ClinVar (database versions not stated): ESP Exome Variant Server 0.00087; ExAC 0.00029; gnomAD exomes 0.00038; gnomAD 0.00040; TOPMed 0.00041.
gnomAD v4.1: 303 of 765,362 alleles (0.04%); highest among the groups gnomAD compares: Non-Finnish European, 0.055%; no homozygotes.

Submissions (3):

Labcorp Genetics (formerly Invitae), Labcorp
Classification: Likely benign. Last evaluated: 2026-01-19. Review status: criteria provided, single submitter. Criteria: Invitae Variant Classification Sherloc (09022015). Collection method: clinical testing. Allele origin: germline.

CeGaT Center for Human Genetics Tuebingen
Classification: Likely benign. Last evaluated: 2023-10-01. Review status: criteria provided, single submitter. Criteria: CeGaT Center For Human Genetics Tuebingen Variant Classification Criteria Version 2. Collection method: clinical testing. Allele origin: germline. Affected: yes. Observed: 1 variant allele.
Comment: SNORD118: BS2

Breakthrough Genomics
Classification: Likely benign. Review status: criteria provided, single submitter. Criteria: ACMG Guidelines, 2015. Collection method: not provided. Allele origin: germline. Inheritance: Autosomal recessive inheritance. Affected: yes.

NR_033294.2(SNORD118):n.51G>A

Genes: SNORD118 (small nucleolar RNA, C/D box 118; minus strand), TMEM107 (transmembrane protein 107; minus strand). Cytogenetic location: 17p13.1.
Variant type: single nucleotide variant.
Molecular consequence: non-coding transcript variant (on NR_033294.2). On other transcripts: 3 prime UTR variant (5).
Genome position: GRCh38 VCF-style: chr17-8173538-C-T. GRCh37 (hg19) VCF-style: chr17-8076856-C-T.
Other names: c.*665G>A (NM_001351278.2, NM_001351279.2, NM_001351280.2 and 2 more transcripts).
Identifiers: ClinVar variation 1632233 (VCV001632233.33), dbSNP rs375272334, ClinGen allele CA8370727.